The following is an entry in ClinVar:

NM_003803.4(MYOM1):c.2879T>C (p.Ile960Thr)

Gene: MYOM1 (myomesin 1; minus strand). Cytogenetic location: 18p11.31.
Variant type: single nucleotide variant.
Coding change: c.2879T>C on transcript NM_003803.4 (MANE Select); coding-DNA position 2879, T replaced by C.
Protein change: p.Ile960Thr; replaces isoleucine 960 with threonine.
Molecular consequence: missense variant.
Genome position (GRCh38, 1-based): chr18:3,126,813, A>G on the plus strand (T>C on the coding strand, the complement: MYOM1 is on the minus strand). VCF-style: chr18-3126813-A-G. GRCh37 (hg19) VCF-style: chr18-3126811-A-G.
Other names: c.2591T>C, p.Ile864Thr (NM_019856.2); short protein forms I960T, I864T.
Identifiers: ClinVar variation 226815 (VCV000226815.19), dbSNP rs1071600, ClinGen allele CA8874502.

ClinVar aggregate classification (germline): Benign. Review status: criteria provided, multiple submitters, no conflicts (2 of 4 stars). 5 submissions from 5 submitters: Benign (5). Last evaluated 2026-02-04.

Conditions:
Hypertrophic cardiomyopathy. Also called: HYPERTROPHIC MYOCARDIOPATHY. Identifiers: Orphanet 217569, MedGen C0007194, MeSH D002312, MONDO:0005045, HP:0001639.

Allele frequency attached by ClinVar (database versions not stated): gnomAD exomes 0.15384 and 0.19320; ESP Exome Variant Server 0.17958; gnomAD 0.19505 and 0.19218; ExAC 0.19973; TOPMed 0.20011; 1000 Genomes Project 30x 0.25109; 1000 Genomes Project 0.25439.
gnomAD v4.1: 255,665 of 1,612,564 alleles (16%); highest among the groups gnomAD compares: East Asian, 32%; 23,059 homozygotes.

Submissions (5):

Labcorp Genetics (formerly Invitae), Labcorp
Classification: Benign for Hypertrophic cardiomyopathy. Last evaluated: 2026-02-04. Review status: criteria provided, single submitter. Criteria: Invitae Variant Classification Sherloc (09022015). Collection method: clinical testing. Allele origin: germline.

Ambry Genetics
Classification: Benign. Last evaluated: 2019-02-07. Review status: criteria provided, single submitter. Criteria: Ambry Variant Classification Scheme 2023. Collection method: clinical testing. Allele origin: germline.

GeneDx
Classification: Benign. Last evaluated: 2018-06-13. Review status: criteria provided, single submitter. Criteria: GeneDx Variant Classification (06012015). Collection method: clinical testing. Allele origin: germline. Affected: yes.
Comment: This variant is considered likely benign or benign based on one or more of the following criteria: it is a conservative change, it occurs at a poorly conserved position in the protein, it is predicted to be benign by multiple in silico algorithms, and/or has population frequency not consistent with disease.

Laboratory for Molecular Medicine, Mass General Brigham Personalized Medicine
Classification: Benign. Last evaluated: 2014-11-24. Review status: criteria provided, single submitter. Criteria: LMM Criteria. Collection method: clinical testing. Allele origin: germline. Observed: 180 variant alleles.
Comment: Ile960Thr in exon 19 of MYOM1: This variant is not expected to have clinical sig nificance because it has been identified in 26.1% (1017/3904) of African America n chromosomes from a broad population by the NHLBI Exome Sequencing Project (dbSNP rs1071600).

Breakthrough Genomics
Classification: Benign. Review status: criteria provided, single submitter. Criteria: ACMG Guidelines, 2015. Collection method: not provided. Allele origin: germline. Inheritance: Unknown mechanism. Affected: yes.